The following is an entry in ClinVar:

NM_003331.5(TYK2):c.630-12G>A

Gene: TYK2 (tyrosine kinase 2; minus strand). Cytogenetic location: 19p13.2.
Variant type: single nucleotide variant.
Coding change: c.630-12G>A on transcript NM_003331.5 (MANE Select); 12 bases into the intron before coding-DNA position 630, G replaced by A.
Molecular consequence: intron variant.
Genome position (GRCh38, 1-based): chr19:10,365,910, C>T on the plus strand (G>A on the coding strand, the complement: TYK2 is on the minus strand). VCF-style: chr19-10365910-C-T. GRCh37 (hg19) VCF-style: chr19-10476586-C-T.
Other names: c.630-12G>A (LRG_121t1).
Identifiers: ClinVar variation 515202 (VCV000515202.2), dbSNP rs758598921, ClinGen allele CA9193666.

ClinVar aggregate classification (germline): Likely benign. Review status: criteria provided, multiple submitters, no conflicts (2 of 4 stars). 2 submissions from 2 submitters: Likely benign (2). Last evaluated 2025-12-29.

Conditions:
Immunodeficiency 35 (IMD35). Also called: TYK2 DEFICIENCY; HIES WITH ATYPICAL MYCOBACTERIOSIS, AUTOSOMAL RECESSIVE; HYPER-IgE SYNDROME WITH ATYPICAL MYCOBACTERIOSIS, AUTOSOMAL RECESSIVE; Susceptibility to infection due to TYK2 deficiency. Identifiers: Orphanet 331226, MedGen C1969086, MONDO:0012682, OMIM 611521.

Allele frequency attached by ClinVar (database versions not stated): gnomAD exomes 0.00001; TOPMed 0.00002; ExAC 0.00003; gnomAD 0.00003.
gnomAD v4.1: 12 of 1,599,568 alleles (0.00075%); highest among the groups gnomAD compares: Middle Eastern, 0.017%; no homozygotes.

Submissions (2):

Labcorp Genetics (formerly Invitae), Labcorp
Classification: Likely benign for Immunodeficiency 35. Last evaluated: 2025-12-29. Review status: criteria provided, single submitter. Criteria: Invitae Variant Classification Sherloc (09022015). Collection method: clinical testing. Allele origin: germline.

GeneDx
Classification: Likely benign. Last evaluated: 2018-02-01. Review status: criteria provided, single submitter. Criteria: GeneDx Variant Classification (06012015). Collection method: clinical testing. Allele origin: germline. Affected: yes.
Comment: This variant is considered likely benign or benign based on one or more of the following criteria: it is a conservative change, it occurs at a poorly conserved position in the protein, it is predicted to be benign by multiple in silico algorithms, and/or has population frequency not consistent with disease.